The following is an entry in ClinVar:

ClinVar aggregate classification (germline): Uncertain significance. Review status: criteria provided, multiple submitters, no conflicts (2 of 4 stars). 5 submissions from 5 submitters: Uncertain significance (4). 1 of the submissions does not count toward it. Last evaluated 2023-09-17.

Conditions:
Wilson disease (WND). Also called: Wilson's disease. Identifiers: Orphanet 905, MedGen C0019202, MONDO:0010200, OMIM 277900. Disease mechanism: loss of function.

Allele frequency attached by ClinVar (database versions not stated): TOPMed below 0.00001; gnomAD 0.00001; gnomAD exomes 0.00001; ExAC 0.00002.
gnomAD v4.1: 17 of 1,613,758 alleles (0.0011%); highest among the groups gnomAD compares: Non-Finnish European, 0.00017%; no homozygotes.

Submissions (5):

All of Us Research Program, National Institutes of Health
Classification: Uncertain significance for Wilson disease. Last evaluated: 2023-09-17. Review status: criteria provided, single submitter. Criteria: ACMG Guidelines, 2015. Collection method: clinical testing. Allele origin: germline. Inheritance: Autosomal recessive inheritance. Observed: 2 variant alleles, 2 heterozygotes.
Comment: This missense variant replaces tyrosine with serine at codon 953 of the ATP7B protein. Computational prediction suggests that this variant may have deleterious impact on protein structure and function (internally defined REVEL score threshold >= 0.7, PMID: 27666373). To our knowledge, functional studies have not been reported for this variant. This variant has not been reported in individuals affected with Wilson disease in the literature. This variant has been identified in 3/249184 chromosomes in the general population by the Genome Aggregation Database (gnomAD). The available evidence is insufficient to determine the role of this variant in disease conclusively. Therefore, this variant is classified as a Variant of Uncertain Significance.

This study involves interpretation of variants in research participants for the purpose of population health screening. Participant phenotype was not available at the time of variant classification. Additional details can be found in publication PMID: 35346344, PMCID: PMC8962531

Color Diagnostics, LLC DBA Color Health
Classification: Uncertain significance for Wilson disease. Last evaluated: 2022-05-02. Review status: criteria provided, single submitter. Criteria: ACMG Guidelines, 2015. Collection method: clinical testing. Allele origin: germline.
Comment: This missense variant replaces tyrosine with serine at codon 953 of the ATP7B protein. Computational prediction suggests that this variant may have deleterious impact on protein structure and function. To our knowledge, functional studies have not been reported for this variant. This variant has not been reported in individuals affected with Wilson disease in the literature. This variant has been identified in 3/249184 chromosomes in the general population by the Genome Aggregation Database (gnomAD). The available evidence is insufficient to determine the role of this variant in disease conclusively. Therefore, this variant is classified as a Variant of Uncertain Significance.

Labcorp Genetics (formerly Invitae), Labcorp
Classification: Uncertain significance for Wilson disease. Last evaluated: 2021-11-14. Review status: criteria provided, single submitter. Criteria: Invitae Variant Classification Sherloc (09022015). Collection method: clinical testing. Allele origin: germline.
Comment: This sequence change replaces tyrosine, which is neutral and polar, with serine, which is neutral and polar, at codon 953 of the ATP7B protein (p.Tyr953Ser). This variant is present in population databases (rs767877891, gnomAD 0.01%). This variant has not been reported in the literature in individuals affected with ATP7B-related conditions. ClinVar contains an entry for this variant (Variation ID: 928975). Algorithms developed to predict the effect of missense changes on protein structure and function are either unavailable or do not agree on the potential impact of this missense change (SIFT: "Tolerated"; PolyPhen-2: "Possibly Damaging"; Align-GVGD: "Class C0"). In summary, the available evidence is currently insufficient to determine the role of this variant in disease. Therefore, it has been classified as a Variant of Uncertain Significance.

Women's Health and Genetics/Laboratory Corporation of America, LabCorp
Classification: Uncertain significance. Last evaluated: 2019-06-03. Review status: criteria provided, single submitter. Criteria: LabCorp Variant Classification Summary - May 2015. Collection method: clinical testing. Allele origin: germline.
Comment: Variant summary: ATP7B c.2858A>C (p.Tyr953Ser) results in a non-conservative amino acid change in the encoded protein sequence. Four of five in-silico tools predict a damaging effect of the variant on protein function. The variant allele was found at a frequency of 1.2e-05 in 249184 control chromosomes (gnomAD). The available data on variant occurrences in the general population are insufficient to allow any conclusion about variant significance. To our knowledge, no occurrence of c.2858A>C in individuals affected with Wilson Disease and no experimental evidence demonstrating its impact on protein function have been reported. No clinical diagnostic laboratories have submitted clinical-significance assessments for this variant to ClinVar after 2014. Based on the evidence outlined above, the variant was classified as uncertain significance.

Natera, Inc.
Classification: Uncertain significance for Wilson disease. Last evaluated: 2021-05-24. Review status: no assertion criteria provided. Collection method: clinical testing. Allele origin: germline. Not counted in ClinVar's aggregate classification.

NM_000053.4(ATP7B):c.2858A>C (p.Tyr953Ser)

Gene: ATP7B (ATPase copper transporting beta; minus strand). Cytogenetic location: 13q14.3.
Variant type: single nucleotide variant.
Coding change: c.2858A>C on transcript NM_000053.4 (MANE Select); coding-DNA position 2858, A replaced by C.
Protein change: p.Tyr953Ser; replaces tyrosine 953 with serine.
Molecular consequence: missense variant. On other transcripts: intron variant (1).
Genome position (GRCh38, 1-based): chr13:51,949,669, T>G on the plus strand (A>C on the coding strand, the complement: ATP7B is on the minus strand). VCF-style: chr13-51949669-T-G. GRCh37 (hg19) VCF-style: chr13-52523805-T-G.
Other names: c.2525A>C, p.Tyr842Ser (NM_001243182.2); c.2624A>C, p.Tyr875Ser (NM_001330578.2); c.2606A>C, p.Tyr869Ser (NM_001330579.2); c.2244+338A>C (NM_001005918.3); short protein forms Y842S, Y869S, Y875S, Y953S.
Identifiers: ClinVar variation 928975 (VCV000928975.5), dbSNP rs767877891, ClinGen allele CA6988896.